The following is an entry in ClinVar:

NM_005219.5(DIAPH1):c.2030C>T (p.Pro677Leu)

Gene: DIAPH1 (diaphanous related formin 1; minus strand). Cytogenetic location: 5q31.3.
Variant type: single nucleotide variant.
Coding change: c.2030C>T on transcript NM_005219.5 (MANE Select); coding-DNA position 2030, C replaced by T.
Protein change: p.Pro677Leu; replaces proline 677 with leucine.
Molecular consequence: missense variant.
Genome position (GRCh38, 1-based): chr5:141,573,820, G>A on the plus strand (C>T on the coding strand, the complement: DIAPH1 is on the minus strand). VCF-style: chr5-141573820-G-A. GRCh37 (hg19) VCF-style: chr5-140953387-G-A.
Other names: c.2003C>T, p.Pro668Leu (NM_001079812.3); c.2030C>T, p.Pro677Leu (NM_001314007.2); c.2030C>T (NM_005219.4); short protein forms P677L, P668L.
Identifiers: ClinVar variation 1462500 (VCV001462500.7), dbSNP rs761912885, ClinGen allele CA361518974.
Genomic context (GRCh38, chr5:141,573,820, plus strand): 5'-CTCCCAGGCAAAGGAGGTGGTGGTGGGGGGATTCTAGCACTCCCAGGCAAAGGAGGAGGT[G>A]GGGGGATGGCAGTACCTCCAGGCAAAGAAGAGGGTGAAGGGATGCCAACACCCTCAGGCA-3'
Protein context (NP_005210.3, residues 667-687): SSLPGGTAIP[Pro677Leu]PPPLPGSARI

ClinVar aggregate classification (germline): Uncertain significance. Review status: criteria provided, multiple submitters, no conflicts (2 of 4 stars). 2 submissions from 2 submitters: Uncertain significance (2). Last evaluated 2025-08-21.

Conditions:
Inborn genetic diseases. Identifiers: MedGen C0950123, MeSH D030342.
Progressive microcephaly-seizures-cortical blindness-developmental delay syndrome. Also called: Seizures, cortical blindness, and microcephaly syndrome. Identifiers: Orphanet 477814, MedGen C5567650, MONDO:0014714, OMIM 616632.
Autosomal dominant nonsyndromic hearing loss 1. Also called: DEAFNESS, AUTOSOMAL DOMINANT 1, WITH OR WITHOUT THROMBOCYTOPENIA; KONIGSMARK SYNDROME. Identifiers: Orphanet 90635, MedGen C1852282, MONDO:0007424, OMIM 124900.

Allele frequency attached by ClinVar (database versions not stated): TOPMed 0.00003.
gnomAD v4.1: 19 of 1,518,286 alleles (0.0013%); highest among the groups gnomAD compares: Middle Eastern, 0.017%; no homozygotes.

Submissions (2):

Ambry Genetics
Classification: Uncertain significance for Inborn genetic diseases. Last evaluated: 2025-08-21. Review status: criteria provided, single submitter. Criteria: Ambry Variant Classification Scheme 2023. Collection method: clinical testing. Allele origin: germline.

Labcorp Genetics (formerly Invitae), Labcorp
Classification: Uncertain significance for Progressive microcephaly-seizures-cortical blindness-developmental delay syndrome; Autosomal dominant nonsyndromic hearing loss 1. Last evaluated: 2023-04-09. Review status: criteria provided, single submitter. Criteria: Invitae Variant Classification Sherloc (09022015). Collection method: clinical testing. Allele origin: germline.
Comment: ClinVar contains an entry for this variant (Variation ID: 1462500). This variant has not been reported in the literature in individuals affected with DIAPH1-related conditions. This variant is present in population databases (no rsID available, gnomAD no frequency). This sequence change replaces proline, which is neutral and non-polar, with leucine, which is neutral and non-polar, at codon 677 of the DIAPH1 protein (p.Pro677Leu). Algorithms developed to predict the effect of missense changes on protein structure and function output the following: SIFT: "Not Available"; PolyPhen-2: "Not Available"; Align-GVGD: "Not Available". The leucine amino acid residue is found in multiple mammalian species, which suggests that this missense change does not adversely affect protein function. In summary, the available evidence is currently insufficient to determine the role of this variant in disease. Therefore, it has been classified as a Variant of Uncertain Significance.